The following is an entry in ClinVar:

NM_005898.5(CAPRIN1):c.606G>A (p.Arg202=)

Gene: CAPRIN1 (cell cycle associated protein 1; plus strand). Cytogenetic location: 11p13.
Variant type: single nucleotide variant.
Coding change: c.606G>A on transcript NM_005898.5 (MANE Select); coding-DNA position 606, G replaced by A.
Protein change: p.Arg202=; no amino-acid change (arginine 202 retained).
Molecular consequence: synonymous variant.
Genome position (GRCh38, 1-based): chr11:34,076,560, G>A. VCF-style: chr11-34076560-G-A. GRCh37 (hg19) VCF-style: chr11-34098107-G-A.
Other names: c.606G>A, p.Arg202= (NM_203364.3).
Identifiers: ClinVar variation 4648192 (VCV004648192.1).
Genomic context (GRCh38, chr11:34,076,560, plus strand): 5'-ACTTCTGAGTATTTAAGTTGACAACTGAAAGGTTATTAATTAGCTATTTACTATTAAAAG[G>A]TTGAATGAACAGTATGAACATGCCTCCATTCACCTGTGGGACCTGCTGGAAGGGAAGGAA-3'
Protein context (NP_005889.3, residues 192-212): LVDPERDMSL[Arg202=]LNEQYEHASI

ClinVar aggregate classification (germline): Uncertain significance (1 of 4 stars; one submission).

Submission:

Ambry Genetics
Classification: Uncertain significance. Last evaluated: 2025-09-16. Review status: criteria provided, single submitter. Criteria: Ambry Variant Classification Scheme 2023. Collection method: clinical testing. Allele origin: germline.
Comment: The c.606G>A (p.R202R) alteration is located in exon 6 (coding exon 5) of the CAPRIN1 gene. This alteration consists of a G to A substitution at nucleotide position 606. This nucleotide substitution does not change the amino acid at codon 202. This variant impacts thefirst base pair of coding exon 5. This variant was not reported in population-based cohorts in the Genome Aggregation Database (gnomAD). This nucleotide position is well conserved in available vertebrate species. In silico splice site analysis predicts that this alteration may weaken the native splice acceptor site. Based on insufficient or conflicting evidence, the clinical significance of this alteration remains unclear.